The following is an entry in ClinVar:

NM_152383.5(DIS3L2):c.2416C>T (p.His806Tyr)

Gene: DIS3L2 (DIS3 like 3'-5' exoribonuclease 2; plus strand). Cytogenetic location: 2q37.1.
Variant type: single nucleotide variant.
Coding change: c.2416C>T on transcript NM_152383.5 (MANE Select); coding-DNA position 2416, C replaced by T.
Protein change: p.His806Tyr; replaces histidine 806 with tyrosine.
Molecular consequence: missense variant. On other transcripts: non-coding transcript variant (2), intron variant (1).
Genome position (GRCh38, 1-based): chr2:232,335,794, C>T. VCF-style: chr2-232335794-C-T. GRCh37 (hg19) VCF-style: chr2-233200504-C-T.
Other names: c.1582-7551C>T (NM_001257281.2); short protein forms H806Y.
Identifiers: ClinVar variation 1464741 (VCV001464741.6), dbSNP rs2106356275, ClinGen allele CA350978178.

ClinVar aggregate classification (germline): Uncertain significance (1 of 4 stars; one submission).

Conditions:
Perlman syndrome (PRLMNS). Identifiers: Orphanet 2849, MedGen C0796113, MONDO:0009965, OMIM 267000.

Submission:

Labcorp Genetics (formerly Invitae), Labcorp
Classification: Uncertain significance for Perlman syndrome. Last evaluated: 2023-09-04. Review status: criteria provided, single submitter. Criteria: Invitae Variant Classification Sherloc (09022015). Collection method: clinical testing. Allele origin: germline.
Comment: This variant has not been reported in the literature in individuals affected with DIS3L2-related conditions. In summary, the available evidence is currently insufficient to determine the role of this variant in disease. Therefore, it has been classified as a Variant of Uncertain Significance. Advanced modeling of protein sequence and biophysical properties (such as structural, functional, and spatial information, amino acid conservation, physicochemical variation, residue mobility, and thermodynamic stability) performed at Invitae indicates that this missense variant is not expected to disrupt DIS3L2 protein function. ClinVar contains an entry for this variant (Variation ID: 1464741). This variant is not present in population databases (gnomAD no frequency). This sequence change replaces histidine, which is basic and polar, with tyrosine, which is neutral and polar, at codon 806 of the DIS3L2 protein (p.His806Tyr).